The following is an entry in ClinVar:

NM_177438.3(DICER1):c.1934C>G (p.Pro645Arg)

Gene: DICER1 (dicer 1, ribonuclease III; minus strand). Cytogenetic location: 14q32.13.
Variant type: single nucleotide variant.
Coding change: c.1934C>G on transcript NM_177438.3 (MANE Select); coding-DNA position 1934, C replaced by G.
Protein change: p.Pro645Arg; replaces proline 645 with arginine.
Molecular consequence: missense variant. On other transcripts: non-coding transcript variant (6).
Genome position (GRCh38, 1-based): chr14:95,113,198, G>C on the plus strand (C>G on the coding strand, the complement: DICER1 is on the minus strand). VCF-style: chr14-95113198-G-C. GRCh37 (hg19) VCF-style: chr14-95579535-G-C.
Other names: c.1934C>G, p.Pro645Arg (NM_001395684.1, NM_001195573.1, NM_001271282.3 and 13 more transcripts); c.1652C>G, p.Pro551Arg (NM_001395686.1); c.1529C>G, p.Pro510Arg (NM_001395687.1, NM_001395688.1, NM_001395689.1 and 3 more transcripts); c.1367C>G, p.Pro456Arg (NM_001395691.1); c.251C>G, p.Pro84Arg (NM_001395697.1); short protein forms P551R, P645R, P456R, P510R, P84R.
Identifiers: ClinVar variation 2566192 (VCV002566192.4), dbSNP rs781253567, ClinGen allele CA390883472.
Genomic context (GRCh38, chr14:95,113,198, plus strand): 5'-GAATAAAATGTACCATCAGGCAACTCTCGGGTTCTGCATTTAGGAGCTAGATGAGTAAAC[G>C]GATCACTTGGTAATCTAGCACAGTATCTGTGAAGAAAAAGAAATTCTGAGGCTGAATCTA-3'
Protein context (NP_803187.1, residues 635-655): NRYCARLPSD[Pro645Arg]FTHLAPKCRT

ClinVar aggregate classification (germline): Uncertain significance. Review status: criteria provided, multiple submitters, no conflicts (2 of 4 stars). 2 submissions from 2 submitters: Uncertain significance (2). Last evaluated 2024-06-03.

Conditions:
Hereditary cancer-predisposing syndrome. Also called: Neoplastic Syndromes, Hereditary; Hereditary Cancer Syndrome; Tumor predisposition; Hereditary neoplastic syndrome. Identifiers: Orphanet 140162, MedGen C0027672, MeSH D009386, MONDO:0015356.
DICER1-related tumor predisposition. Also called: DICER1 syndrome; DICER1-related pleuropulmonary blastoma cancer predisposition syndrome. Identifiers: Orphanet 284343, MedGen C3839822, MONDO:0100216.

Submissions (2):

Labcorp Genetics (formerly Invitae), Labcorp
Classification: Uncertain significance for DICER1-related tumor predisposition. Last evaluated: 2024-06-03. Review status: criteria provided, single submitter. Criteria: Invitae Variant Classification Sherloc (09022015). Collection method: clinical testing. Allele origin: germline.
Comment: This sequence change replaces proline, which is neutral and non-polar, with arginine, which is basic and polar, at codon 645 of the DICER1 protein (p.Pro645Arg). This variant is not present in population databases (gnomAD no frequency). This variant has not been reported in the literature in individuals affected with DICER1-related conditions. ClinVar contains an entry for this variant (Variation ID: 2566192). Advanced modeling of protein sequence and biophysical properties (such as structural, functional, and spatial information, amino acid conservation, physicochemical variation, residue mobility, and thermodynamic stability) performed at Invitae indicates that this missense variant is not expected to disrupt DICER1 protein function with a negative predictive value of 80%. In summary, the available evidence is currently insufficient to determine the role of this variant in disease. Therefore, it has been classified as a Variant of Uncertain Significance.

Ambry Genetics
Classification: Uncertain significance for Hereditary cancer-predisposing syndrome. Last evaluated: 2023-05-07. Review status: criteria provided, single submitter. Criteria: Ambry Variant Classification Scheme 2023. Collection method: clinical testing. Allele origin: germline.
Comment: The p.P645R variant (also known as c.1934C>G), located in coding exon 11 of the DICER1 gene, results from a C to G substitution at nucleotide position 1934. The proline at codon 645 is replaced by arginine, an amino acid with dissimilar properties. This amino acid position is conserved. In addition, this alteration is predicted to be deleterious by in silico analysis. Since supporting evidence is limited at this time, the clinical significance of this alteration remains unclear.